The following is an entry in ClinVar:

ClinVar aggregate classification (germline): Uncertain significance (1 of 4 stars; one submission).

Allele frequency attached by ClinVar (database versions not stated): gnomAD exomes below 0.00001.

Submission:

Labcorp Genetics (formerly Invitae), Labcorp
Classification: Uncertain significance. Last evaluated: 2024-10-24. Review status: criteria provided, single submitter. Criteria: Invitae Variant Classification Sherloc (09022015). Collection method: clinical testing. Allele origin: germline.
Comment: This sequence change replaces proline, which is neutral and non-polar, with leucine, which is neutral and non-polar, at codon 1074 of the COL11A1 protein (p.Pro1074Leu). This variant is not present in population databases (gnomAD no frequency). This variant has not been reported in the literature in individuals affected with COL11A1-related conditions. Invitae Evidence Modeling of protein sequence and biophysical properties (such as structural, functional, and spatial information, amino acid conservation, physicochemical variation, residue mobility, and thermodynamic stability) has been performed for this missense variant. However, the output from this modeling did not meet the statistical confidence thresholds required to predict the impact of this variant on COL11A1 protein function. In summary, the available evidence is currently insufficient to determine the role of this variant in disease. Therefore, it has been classified as a Variant of Uncertain Significance.

NM_001854.4(COL11A1):c.3221C>T (p.Pro1074Leu)

Gene: COL11A1 (collagen type XI alpha 1 chain; minus strand). Cytogenetic location: 1p21.1.
Variant type: single nucleotide variant.
Coding change: c.3221C>T on transcript NM_001854.4 (MANE Select); coding-DNA position 3221, C replaced by T.
Protein change: p.Pro1074Leu; replaces proline 1074 with leucine.
Molecular consequence: missense variant. On other transcripts: non-coding transcript variant (1).
Genome position (GRCh38, 1-based): chr1:102,946,904, G>A on the plus strand (C>T on the coding strand, the complement: COL11A1 is on the minus strand). VCF-style: chr1-102946904-G-A. GRCh37 (hg19) VCF-style: chr1-103412460-G-A.
Other names: c.2873C>T, p.Pro958Leu (NM_001168249.1, NM_080630.4); c.3104C>T, p.Pro1035Leu (NM_001190709.2); c.3257C>T, p.Pro1086Leu (NM_080629.3); short protein forms P1035L, P958L, P1074L, P1086L.
Identifiers: ClinVar variation 2796299 (VCV002796299.3), dbSNP rs2101407636, ClinGen allele CA341171146.